The following is an entry in ClinVar:

NM_001195518.2(MICU1):c.1181-227A>G

Gene: MICU1 (mitochondrial calcium uptake 1; minus strand). Cytogenetic location: 10q22.1.
Variant type: single nucleotide variant.
Coding change: c.1181-227A>G on transcript NM_001195518.2 (MANE Select); 227 bases into the intron before coding-DNA position 1181, A replaced by G.
Molecular consequence: intron variant.
Genome position (GRCh38, 1-based): chr10:72,376,099, T>C on the plus strand (A>G on the coding strand, the complement: MICU1 is on the minus strand). VCF-style: chr10-72376099-T-C. GRCh37 (hg19) VCF-style: chr10-74135857-T-C.
Other names: c.1187-227A>G (NM_006077.4); c.1199-227A>G (NM_001363513.2); c.587-227A>G (NM_001195519.2).
Identifiers: ClinVar variation 673580 (VCV000673580.1), dbSNP rs76935352, ClinGen allele CA209546891.

ClinVar aggregate classification (germline): Benign (1 of 4 stars; one submission).

Allele frequency attached by ClinVar (database versions not stated): gnomAD 0.02859 and 0.02982; TOPMed 0.03283; 1000 Genomes Project 30x 0.05684; 1000 Genomes Project 0.05871.
gnomAD v4.1: 4,508 of 152,026 alleles (3%); highest among the groups gnomAD compares: East Asian, 15%; 177 homozygotes.

Submission:

GeneDx
Classification: Benign. Last evaluated: 2018-06-16. Review status: criteria provided, single submitter. Criteria: GeneDx Variant Classification (06012015). Collection method: clinical testing. Allele origin: germline. Affected: yes.
Comment: This variant is considered likely benign or benign based on one or more of the following criteria: it is a conservative change, it occurs at a poorly conserved position in the protein, it is predicted to be benign by multiple in silico algorithms, and/or has population frequency not consistent with disease.